The following is an entry in ClinVar:

ClinVar aggregate classification (germline): Uncertain significance (1 of 4 stars; one submission).

Allele frequency attached by ClinVar (database versions not stated): ExAC 0.00001; gnomAD 0.00001; gnomAD exomes 0.00001; TOPMed 0.00003.
gnomAD v4.1: 7 of 1,609,758 alleles (0.00043%); highest among the groups gnomAD compares: Admixed American, 0.012%; no homozygotes.

Submission:

Ambry Genetics
Classification: Uncertain significance. Last evaluated: 2024-10-04. Review status: criteria provided, single submitter. Criteria: Ambry Variant Classification Scheme 2023. Collection method: clinical testing. Allele origin: germline.
Comment: The p.I172L variant (also known as c.514A>T), located in coding exon 6 of the BUB1 gene, results from an A to T substitution at nucleotide position 514. The isoleucine at codon 172 is replaced by leucine, an amino acid with highly similar properties. This amino acid position is conserved. In addition, this alteration is predicted to be tolerated by in silico analysis. Since supporting evidence is limited at this time, the clinical significance of this alteration remains unclear.

NM_004336.5(BUB1):c.514A>T (p.Ile172Leu)

Gene: BUB1 (BUB1 mitotic checkpoint serine/threonine kinase; minus strand). Cytogenetic location: 2q13.
Variant type: single nucleotide variant.
Coding change: c.514A>T on transcript NM_004336.5 (MANE Select); coding-DNA position 514, A replaced by T.
Protein change: p.Ile172Leu; replaces isoleucine 172 with leucine.
Molecular consequence: missense variant.
Genome position (GRCh38, 1-based): chr2:110,669,506, T>A on the plus strand (A>T on the coding strand, the complement: BUB1 is on the minus strand). VCF-style: chr2-110669506-T-A. GRCh37 (hg19) VCF-style: chr2-111427083-T-A.
Other names: c.454A>T, p.Ile152Leu (NM_001278616.2); c.514A>T, p.Ile172Leu (NM_001278617.2); short protein forms I172L, I152L.
Identifiers: ClinVar variation 1745652 (VCV001745652.3), dbSNP rs761319655, ClinGen allele CA1828330.